The following is an entry in ClinVar:

ClinVar aggregate classification (germline): Uncertain significance (1 of 4 stars; one submission).

Submission:

Labcorp Genetics (formerly Invitae), Labcorp
Classification: Uncertain significance. Last evaluated: 2022-09-01. Review status: criteria provided, single submitter. Criteria: Invitae Variant Classification Sherloc (09022015). Collection method: clinical testing. Allele origin: germline.
Comment: In summary, the available evidence is currently insufficient to determine the role of this variant in disease. Therefore, it has been classified as a Variant of Uncertain Significance. Algorithms developed to predict the effect of sequence changes on RNA splicing suggest that this variant may create or strengthen a splice site. Algorithms developed to predict the effect of missense changes on protein structure and function are either unavailable or do not agree on the potential impact of this missense change (SIFT: "Tolerated"; PolyPhen-2: "Probably Damaging"; Align-GVGD: "Class C0"). ClinVar contains an entry for this variant (Variation ID: 970700). This variant has not been reported in the literature in individuals affected with PDE6C-related conditions. This variant is not present in population databases (gnomAD no frequency). This sequence change replaces aspartic acid, which is acidic and polar, with glycine, which is neutral and non-polar, at codon 589 of the PDE6C protein (p.Asp589Gly).

NM_006204.4(PDE6C):c.1766A>G (p.Asp589Gly)

Gene: PDE6C (phosphodiesterase 6C; plus strand). Cytogenetic location: 10q23.33.
Variant type: single nucleotide variant.
Coding change: c.1766A>G on transcript NM_006204.4 (MANE Select); coding-DNA position 1766, A replaced by G.
Protein change: p.Asp589Gly; replaces aspartic acid 589 with glycine.
Molecular consequence: missense variant.
Genome position (GRCh38, 1-based): chr10:93,640,948, A>G. VCF-style: chr10-93640948-A-G. GRCh37 (hg19) VCF-style: chr10-95400705-A-G.
Other names: short protein forms D589G.
Identifiers: ClinVar variation 970700 (VCV000970700.10), dbSNP rs2058556736, ClinGen allele CA377619075.
Genomic context (GRCh38, chr10:93,640,948, plus strand): 5'-TATAGATATGCATATATATGTTATTTTTTTAGACAGGAAGATTAAAGAAGTACTACACAG[A>G]TCTCGAAGCCTTTGCCATGCTTGCTGCTGCTTTCTGCCATGATATTGACCACAGAGGCAC-3'
Protein context (NP_006195.3, residues 579-599): MTGRLKKYYT[Asp589Gly]LEAFAMLAAA